The following is an entry in ClinVar:

ClinVar aggregate classification (germline): Uncertain significance. Review status: criteria provided, multiple submitters, no conflicts (2 of 4 stars). 2 submissions from 2 submitters: Uncertain significance (2). Last evaluated 2023-10-04.

Conditions:
Senior-Loken syndrome 4 (SLSN4). Identifiers: Orphanet 3156, MedGen C1846979, MONDO:0011756, OMIM 606996.
Nephronophthisis 4 (NPHP4). Also called: NEPHRONOPHTHISIS 4, JUVENILE. Identifiers: Orphanet 655, MedGen C1847013, MONDO:0011752, OMIM 606966.
Nephronophthisis. Also called: Juvenile Nephronophthisis. Identifiers: Orphanet 655, MedGen C0687120, MONDO:0019005, HP:0000090.

Allele frequency attached by ClinVar (database versions not stated): gnomAD exomes 0.00002.
gnomAD v4.1: 31 of 1,612,074 alleles (0.0019%); highest among the groups gnomAD compares: South Asian, 0.013%; no homozygotes.

Submissions (2):

Labcorp Genetics (formerly Invitae), Labcorp
Classification: Uncertain significance for Nephronophthisis. Last evaluated: 2023-10-04. Review status: criteria provided, single submitter. Criteria: Invitae Variant Classification Sherloc (09022015). Collection method: clinical testing. Allele origin: germline.
Comment: This sequence change replaces alanine, which is neutral and non-polar, with threonine, which is neutral and polar, at codon 1242 of the NPHP4 protein (p.Ala1242Thr). This variant is present in population databases (rs370942610, gnomAD 0.01%). This variant has not been reported in the literature in individuals affected with NPHP4-related conditions. ClinVar contains an entry for this variant (Variation ID: 1472008). Advanced modeling of protein sequence and biophysical properties (such as structural, functional, and spatial information, amino acid conservation, physicochemical variation, residue mobility, and thermodynamic stability) performed at Invitae indicates that this missense variant is not expected to disrupt NPHP4 protein function. In summary, the available evidence is currently insufficient to determine the role of this variant in disease. Therefore, it has been classified as a Variant of Uncertain Significance.

Fulgent Genetics
Classification: Uncertain significance for Nephronophthisis 4; Senior-Loken syndrome 4. Last evaluated: 2021-12-29. Review status: criteria provided, single submitter. Criteria: ACMG Guidelines, 2015. Collection method: clinical testing. Allele origin: unknown.

NM_015102.5(NPHP4):c.3724G>A (p.Ala1242Thr)

Gene: NPHP4 (nephrocystin 4; minus strand). Cytogenetic location: 1p36.31.
Variant type: single nucleotide variant.
Coding change: c.3724G>A on transcript NM_015102.5 (MANE Select); coding-DNA position 3724, G replaced by A.
Protein change: p.Ala1242Thr; replaces alanine 1242 with threonine.
Molecular consequence: missense variant. On other transcripts: non-coding transcript variant (1).
Genome position (GRCh38, 1-based): chr1:5,865,194, C>T on the plus strand (G>A on the coding strand, the complement: NPHP4 is on the minus strand). VCF-style: chr1-5865194-C-T. GRCh37 (hg19) VCF-style: chr1-5925254-C-T.
Other names: c.2185G>A, p.Ala729Thr (NM_001291593.2); c.2188G>A, p.Ala730Thr (NM_001291594.2); short protein forms A729T, A730T, A1242T.
Identifiers: ClinVar variation 1472008 (VCV001472008.7), dbSNP rs370942610, ClinGen allele CA553488.